The following is an entry in ClinVar:

NM_007315.4(STAT1):c.1632+6del

Gene: STAT1 (signal transducer and activator of transcription 1; minus strand). Cytogenetic location: 2q32.2.
Variant type: Deletion.
Coding change: c.1632+6del on transcript NM_007315.4 (MANE Select); 6 bases into the intron after coding-DNA position 1632, one base deleted (G; older notation c.1632+6delG).
Molecular consequence: intron variant.
Genome position (GRCh38, 1-based): chr2:190,980,614, C deleted on the plus strand (G on the coding strand, the reverse complement: STAT1 is on the minus strand); the first of 2 consecutive C bases (chr2:190,980,614-190,980,615); deleting either gives the same sequence. VCF-style (leftmost placement, unchanged base first): chr2-190980613-TC-T. GRCh37 (hg19) VCF-style: chr2-191845339-TC-T.
Other names: c.1542+6del (NM_001384890.1); c.1533+6del (NM_001384883.1); c.1473+6del (NM_001384885.1); c.1539+6del (NM_001384887.1); c.1572+6del (NM_001384880.1); c.1602+6del (NM_001384888.1); c.1626+6del (NM_001384882.1); c.1632+6del (NM_001384889.1, NM_001384886.1, NM_139266.3); and 2 more.
Identifiers: ClinVar variation 1371705 (VCV001371705.6), dbSNP rs759601214, ClinGen allele CA2029872.

ClinVar aggregate classification (germline): Uncertain significance (1 of 4 stars; one submission).

Conditions:
Immunodeficiency 31B. Also called: STAT1 DEFICIENCY, AUTOSOMAL RECESSIVE; IMMUNODEFICIENCY 31B, MYCOBACTERIAL AND VIRAL INFECTIONS, AUTOSOMAL RECESSIVE. Identifiers: Orphanet 391311, MedGen C3151088, MONDO:0013427, OMIM 613796.
Autoimmune enteropathy and endocrinopathy - susceptibility to chronic infections syndrome. Also called: Immunodeficiency 31C; Immunodeficiency 31C, autosomal dominant. Identifiers: Orphanet 391487, MedGen C3279990, MONDO:0013599, OMIM 614162.
Mendelian susceptibility to mycobacterial diseases due to partial STAT1 deficiency. Also called: IMMUNODEFICIENCY 31A, MYCOBACTERIOSIS, AUTOSOMAL DOMINANT; STAT1 DEFICIENCY, AUTOSOMAL DOMINANT; Immunodeficiency 31a. Identifiers: Orphanet 319595, MedGen C4013950, MONDO:0013956, OMIM 614892.

Submission:

Labcorp Genetics (formerly Invitae), Labcorp
Classification: Uncertain significance for Mendelian susceptibility to mycobacterial diseases due to partial STAT1 deficiency; Immunodeficiency 31B; Autoimmune enteropathy and endocrinopathy - susceptibility to chronic infections syndrome. Last evaluated: 2023-08-07. Review status: criteria provided, single submitter. Criteria: Invitae Variant Classification Sherloc (09022015). Collection method: clinical testing. Allele origin: germline.
Comment: In summary, the available evidence is currently insufficient to determine the role of this variant in disease. Therefore, it has been classified as a Variant of Uncertain Significance. Variants that disrupt the consensus splice site are a relatively common cause of aberrant splicing (PMID: 17576681, 9536098). Algorithms developed to predict the effect of sequence changes on RNA splicing suggest that this variant is not likely to affect RNA splicing. ClinVar contains an entry for this variant (Variation ID: 1371705). This variant has not been reported in the literature in individuals affected with STAT1-related conditions. This variant is present in population databases (rs759601214, gnomAD 0.03%). This sequence change falls in intron 19 of the STAT1 gene. It does not directly change the encoded amino acid sequence of the STAT1 protein. It affects a nucleotide within the consensus splice site.

Literature cited by the submitters: PubMed 17576681; PubMed 9536098.